The following is an entry in ClinVar:

ClinVar aggregate classification (germline): Uncertain significance (1 of 4 stars; one submission).

Allele frequency attached by ClinVar (database versions not stated): gnomAD 0.00003; ExAC 0.00005; TOPMed 0.00005; gnomAD exomes 0.00006; ESP Exome Variant Server 0.00023.
gnomAD v4.1: 95 of 1,610,242 alleles (0.0059%); highest among the groups gnomAD compares: Non-Finnish European, 0.0079%; no homozygotes.

Submission:

Labcorp Genetics (formerly Invitae), Labcorp
Classification: Uncertain significance. Last evaluated: 2022-10-31. Review status: criteria provided, single submitter. Criteria: Invitae Variant Classification Sherloc (09022015). Collection method: clinical testing. Allele origin: germline.
Comment: This sequence change falls in intron 62 of the VPS13D gene. It does not directly change the encoded amino acid sequence of the VPS13D protein. It affects a nucleotide within the consensus splice site. This variant is present in population databases (rs375084194, gnomAD 0.009%). This variant has not been reported in the literature in individuals affected with VPS13D-related conditions. Variants that disrupt the consensus splice site are a relatively common cause of aberrant splicing (PMID: 17576681, 9536098). Algorithms developed to predict the effect of sequence changes on RNA splicing suggest that this variant is not likely to affect RNA splicing. In summary, the available evidence is currently insufficient to determine the role of this variant in disease. Therefore, it has been classified as a Variant of Uncertain Significance.

Literature cited by the submitters: PubMed 17576681; PubMed 9536098.

NM_015378.4(VPS13D):c.11881+3A>G

Gene: VPS13D (vacuolar protein sorting 13 homolog D; plus strand). Cytogenetic location: 1p36.22.
Variant type: single nucleotide variant.
Coding change: c.11881+3A>G on transcript NM_015378.4 (MANE Select); 3 bases into the intron after coding-DNA position 11881, A replaced by G.
Molecular consequence: intron variant.
Genome position (GRCh38, 1-based): chr1:12,401,707, A>G. VCF-style: chr1-12401707-A-G. GRCh37 (hg19) VCF-style: chr1-12461760-A-G.
Other names: c.11806+3A>G (NM_018156.4).
Identifiers: ClinVar variation 2173604 (VCV002173604.1), dbSNP rs375084194, ClinGen allele CA604060.
Genomic context (GRCh38, chr1:12,401,707, plus strand): 5'-GAGGAGAAACTGCTCCTCAAGCTGCTAAGTTTCTTTGGCTACGATCAAGCAGAATCAGGT[A>G]ATGTTGAATGTTCTATGTCTGTGTTTGGGAATTGGTCCAAAGATGGTATTTTTGAGTCTG-3'